The following is an entry in ClinVar:

ClinVar aggregate classification (germline): Uncertain significance. Review status: criteria provided, multiple submitters, no conflicts (2 of 4 stars). 2 submissions from 2 submitters: Uncertain significance (2). Last evaluated 2025-08-03.

Conditions:
Hereditary cancer-predisposing syndrome. Also called: Neoplastic Syndromes, Hereditary; Hereditary Cancer Syndrome; Hereditary neoplastic syndrome; Tumor predisposition. Identifiers: Orphanet 140162, MedGen C0027672, MeSH D009386, MONDO:0015356.
Familial cancer of breast. Also called: BREAST CANCER, FAMILIAL; hereditary breast carcinoma; Hereditary breast cancer. Identifiers: Orphanet 227535, MedGen C0346153, MONDO:0016419, OMIM 114480. Disease mechanism: loss of function.

Submissions (2):

Labcorp Genetics (formerly Invitae), Labcorp
Classification: Uncertain significance for Familial cancer of breast. Last evaluated: 2025-08-03. Review status: criteria provided, single submitter. Criteria: Invitae Variant Classification Sherloc (09022015). Collection method: clinical testing. Allele origin: germline.
Comment: This sequence change replaces lysine, which is basic and polar, with threonine, which is neutral and polar, at codon 650 of the BARD1 protein (p.Lys650Thr). This variant is not present in population databases (gnomAD no frequency). This variant has not been reported in the literature in individuals affected with BARD1-related conditions. ClinVar contains an entry for this variant (Variation ID: 479131). An algorithm developed to predict the effect of missense changes on protein structure and function (PolyPhen-2) suggests that this variant is likely to be disruptive. In summary, the available evidence is currently insufficient to determine the role of this variant in disease. Therefore, it has been classified as a Variant of Uncertain Significance.

Ambry Genetics
Classification: Uncertain significance for Hereditary cancer-predisposing syndrome. Last evaluated: 2016-02-08. Review status: criteria provided, single submitter. Criteria: Ambry Variant Classification Scheme 2023. Collection method: clinical testing. Allele origin: germline.
Comment: The p.K650T variant (also known as c.1949A>C), located in coding exon 10 of the BARD1 gene, results from an A to C substitution at nucleotide position 1949. The lysine at codon 650 is replaced by threonine, an amino acid with similar properties. This variant was not reported in population based cohorts in the following databases: Database of Single Nucleotide Polymorphisms (dbSNP), NHLBI Exome Sequencing Project (ESP), and 1000 Genomes Project. In the ESP, this variant was not observed in 6503 samples (13006 alleles) with coverage at this position. To date, this alteration has been detected with an allele frequency of approximately 0.001% (greater than 120000 alleles tested) in our clinical cohort. This amino acid position is poorly conserved in available vertebrate species. In addition, this alteration is predicted to be tolerated by in silico analysis. Since supporting evidence is limited at this time, the clinical significance of this alteration remains unclear.

NM_000465.4(BARD1):c.1949A>C (p.Lys650Thr)

Gene: BARD1 (BRCA1 associated RING domain 1; minus strand). Cytogenetic location: 2q35.
Variant type: single nucleotide variant.
Coding change: c.1949A>C on transcript NM_000465.4 (MANE Select); coding-DNA position 1949, A replaced by C.
Protein change: p.Lys650Thr; replaces lysine 650 with threonine.
Molecular consequence: missense variant. On other transcripts: non-coding transcript variant (3).
Genome position (GRCh38, 1-based): chr2:214,730,463, T>G on the plus strand (A>C on the coding strand, the complement: BARD1 is on the minus strand). VCF-style: chr2-214730463-T-G. GRCh37 (hg19) VCF-style: chr2-215595187-T-G.
Other names: c.1892A>C, p.Lys631Thr (NM_001282543.2); c.596A>C, p.Lys199Thr (NM_001282545.2); c.539A>C, p.Lys180Thr (NM_001282548.2); c.410A>C, p.Lys137Thr (NM_001282549.2); short protein forms K650T, K199T, K631T, K137T, K180T.
Identifiers: ClinVar variation 479131 (VCV000479131.7), dbSNP rs876659021, ClinGen allele CA350451180.
Genomic context (GRCh38, chr2:214,730,463, plus strand): 5'-AAAAATACCAGCTGTTCTCTGTTGAGCCTGCTTCTGCGTGGACCTTCAGGAATTTCATAC[T>G]TTTCTTCCTGTTCACATACTTTTCTTCGTAGACATGCTTTTACCCCTGACAAAAACACAA-3'
Protein context (NP_000456.2, residues 640-660): LRRKVCEQEE[Lys650Thr]YEIPEGPRRS